The following is an entry in ClinVar:

NM_001256317.3(TMPRSS3):c.47G>T (p.Arg16Leu)

Gene: TMPRSS3 (transmembrane serine protease 3; minus strand). Cytogenetic location: 21q22.3.
Variant type: single nucleotide variant.
Coding change: c.47G>T on transcript NM_001256317.3 (MANE Select); coding-DNA position 47, G replaced by T.
Protein change: p.Arg16Leu; replaces arginine 16 with leucine.
Molecular consequence: missense variant.
Genome position (GRCh38, 1-based): chr21:42,395,371, C>A on the plus strand (G>T on the coding strand, the complement: TMPRSS3 is on the minus strand). VCF-style: chr21-42395371-C-A. GRCh37 (hg19) VCF-style: chr21-43815480-C-A.
Other names: c.47G>T, p.Arg16Leu (NM_024022.4, NM_032405.2); short protein forms R16L.
Identifiers: ClinVar variation 3767693 (VCV003767693.1).
Genomic context (GRCh38, chr21:42,395,371, plus strand): 5'-TGGGTCCACTTACCTGGTGCAACAGGACTTATTTTCAAATCATCAAGGCCAAAAAGCGAT[C>A]GGAATGAGAAGGGGGCTTCAACAGCAGGCGGATCATTTTCCCCCATGGTGACTATTTCAG-3'
Protein context (NP_001243246.1, residues 6-26): PPAVEAPFSF[Arg16Leu]SLFGLDDLKI

ClinVar aggregate classification (germline): Uncertain significance (1 of 4 stars; one submission).

gnomAD v4.1: 36 of 1,613,990 alleles (0.0022%); highest among the groups gnomAD compares: South Asian, 0.037%; no homozygotes.

Submission:

GeneDx
Classification: Uncertain significance. Last evaluated: 2024-09-05. Review status: criteria provided, single submitter. Criteria: GeneDx Variant Classification Process June 2021. Collection method: clinical testing. Allele origin: germline. Affected: yes.
Comment: In silico analysis indicates that this missense variant does not alter protein structure/function; Has not been previously published as pathogenic or benign to our knowledge